The following is an entry in ClinVar:

ClinVar aggregate classification (germline): Likely pathogenic (1 of 4 stars; one submission).

Conditions:
Hereditary breast ovarian cancer syndrome. Also called: BRCA1- and BRCA2-Associated Hereditary Breast and Ovarian Cancer; Hereditary breast and ovarian cancer; Hereditary breast and ovarian cancer syndrome (HBOC); Hereditary breast and/or ovarian cancer syndrome; Hereditary breast and ovarian cancer syndrome; Breast and ovarian cancer. Identifiers: Orphanet 145, MedGen C0677776, MeSH D061325, MONDO:0003582. Disease mechanism: loss of function.

Submission:

GeneKor MSA
Classification: Likely pathogenic for Hereditary breast ovarian cancer syndrome. Last evaluated: 2025-05-15. Review status: criteria provided, single submitter. Criteria: ACMG Guidelines, 2015. Collection method: clinical testing. Allele origin: germline. Affected: yes.
Comment: This sequence change deletes one base in exon 11 of the BRCA2mRNA c.(6634delT), causing a frameshift after codon 2212. This creates a premature translational stop signal 17 amino acid residues later p.(Cys2212Valfs*17) and is expected to result in an absent or disrupted protein product. Truncating variants in BRCA2 are known to be pathogenic (PMID:20104584). This variant is not present in population databases (gnomAD no frequency) and has not been described in mutation database ClinVar. Based on the classification criteria set by the ACMG and AMP (PMID:25741868) this variant has been classified as likely pathogenic.

Literature cited by the submitters: PubMed 20104584.

NM_000059.4(BRCA2):c.6634del (p.Cys2212fs)

Gene: BRCA2 (BRCA2 DNA repair associated; plus strand). Cytogenetic location: 13q13.1.
Variant type: Deletion.
Coding change: c.6634del on transcript NM_000059.4 (MANE Select); coding-DNA position 6634, one base deleted (T; older notation c.6634delT).
Protein change: p.Cys2212fs; shifts the reading frame from cysteine 2212.
Molecular consequence: frameshift variant. On other transcripts: non-coding transcript variant (1), intron variant (2).
Genome position (GRCh38, 1-based): chr13:32,340,989, T deleted; the last of 3 consecutive T bases (chr13:32,340,987-32,340,989); deleting any one gives the same sequence. VCF-style (leftmost placement, unchanged base first): chr13-32340986-GT-G. GRCh37 (hg19) VCF-style: chr13-32915123-GT-G.
Other names: c.6634delT (NM_000059.4); c.6634del, p.Cys2212fs (NM_001406719.1, NM_001406720.1, NM_001432077.1); c.1910-3569del (NM_001406721.1); c.425-3569del (NM_001406722.1); short protein forms C2212fs.
Identifiers: ClinVar variation 4077027 (VCV004077027.1).